The following is an entry in ClinVar:

NM_012210.4(TRIM32):c.1449T>G (p.Phe483Leu)

Genes: ASTN2 (astrotactin 2; minus strand), TRIM32 (tripartite motif containing 32; plus strand). Cytogenetic location: 9q33.1.
Variant type: single nucleotide variant.
Coding change: c.1449T>G on transcript NM_012210.4 (MANE Select); coding-DNA position 1449, T replaced by G.
Protein change: p.Phe483Leu; replaces phenylalanine 483 with leucine.
Molecular consequence: missense variant. On other transcripts: intron variant (3).
Genome position (GRCh38, 1-based): chr9:116,699,191, T>G. VCF-style: chr9-116699191-T-G. GRCh37 (hg19) VCF-style: chr9-119461470-T-G.
Other names: c.1449T>G, p.Phe483Leu (NM_001099679.2, NM_001379048.1, NM_001379049.1 and 1 more transcripts); c.2653+26580A>C (NM_014010.5); c.2794+26580A>C (NM_001365069.1); c.2806+26580A>C (NM_001365068.1); short protein forms F483L.
Identifiers: ClinVar variation 1430260 (VCV001430260.3), dbSNP rs2132074954, ClinGen allele CA374651712.

ClinVar aggregate classification (germline): Uncertain significance (1 of 4 stars; one submission).

Conditions:
Bardet-Biedl syndrome (BBS). Identifiers: Orphanet 110, MedGen C0752166, MONDO:0015229.

Allele frequency attached by ClinVar (database versions not stated): gnomAD exomes below 0.00001.
gnomAD v4.1: 4 of 1,614,254 alleles (0.00025%); highest among the groups gnomAD compares: Non-Finnish European, 0.00034%; no homozygotes.

Submission:

Labcorp Genetics (formerly Invitae), Labcorp
Classification: Uncertain significance for Bardet-Biedl syndrome. Last evaluated: 2022-06-28. Review status: criteria provided, single submitter. Criteria: Invitae Variant Classification Sherloc (09022015). Collection method: clinical testing. Allele origin: germline.
Comment: This sequence change replaces phenylalanine, which is neutral and non-polar, with leucine, which is neutral and non-polar, at codon 483 of the TRIM32 protein (p.Phe483Leu). This variant is not present in population databases (gnomAD no frequency). This variant has not been reported in the literature in individuals affected with TRIM32-related conditions. Algorithms developed to predict the effect of missense changes on protein structure and function are either unavailable or do not agree on the potential impact of this missense change (SIFT: "Deleterious"; PolyPhen-2: "Probably Damaging"; Align-GVGD: "Class C15"). In summary, the available evidence is currently insufficient to determine the role of this variant in disease. Therefore, it has been classified as a Variant of Uncertain Significance.